The following is an entry in ClinVar:

ClinVar aggregate classification (germline): Uncertain significance. Review status: criteria provided, multiple submitters, no conflicts (2 of 4 stars). 2 submissions from 2 submitters: Uncertain significance (2). Last evaluated 2025-08-20.

Conditions:
Inborn genetic diseases. Identifiers: MedGen C0950123, MeSH D030342.

Allele frequency attached by ClinVar (database versions not stated): ExAC 0.00001; gnomAD 0.00001; TOPMed 0.00006; ESP Exome Variant Server 0.00008; gnomAD exomes 0.00011.
gnomAD v4.1: 162 of 1,613,962 alleles (0.01%); highest among the groups gnomAD compares: Non-Finnish European, 0.014%; 1 homozygote.

Submissions (3):

Ambry Genetics
Classification: Uncertain significance for Inborn genetic diseases. Last evaluated: 2025-08-20. Review status: criteria provided, single submitter. Criteria: Ambry Variant Classification Scheme 2023. Collection method: clinical testing. Allele origin: germline.

Labcorp Genetics (formerly Invitae), Labcorp
Classification: Uncertain significance. Last evaluated: 2021-12-13. Review status: criteria provided, single submitter. Criteria: Invitae Variant Classification Sherloc (09022015). Collection method: clinical testing. Allele origin: germline.
Comment: In summary, the available evidence is currently insufficient to determine the role of this variant in disease. Therefore, it has been classified as a Variant of Uncertain Significance. Algorithms developed to predict the effect of missense changes on protein structure and function are either unavailable or do not agree on the potential impact of this missense change (SIFT: "Deleterious"; PolyPhen-2: "Possibly Damaging"; Align-GVGD: "Class C0"). This variant has not been reported in the literature in individuals affected with EML1-related conditions. This variant is present in population databases (rs372044881, gnomAD no frequency). This sequence change replaces cysteine, which is neutral and slightly polar, with phenylalanine, which is neutral and non-polar, at codon 369 of the EML1 protein (p.Cys369Phe).

Dr. Peter K. Rogan Lab, Western University
No classification provided (evidence only). Condition: Ovarian serous cystadenocarcinoma. Review status: no classification provided. Collection method: in vitro. Allele origin: not applicable. Functional consequence: retained intron. Not counted in ClinVar's aggregate classification.

NM_004434.3(EML1):c.1106G>T (p.Cys369Phe)

Gene: EML1 (EMAP like 1; plus strand). Cytogenetic location: 14q32.2.
Variant type: single nucleotide variant.
Coding change: c.1106G>T on transcript NM_004434.3 (MANE Select); coding-DNA position 1106, G replaced by T.
Protein change: p.Cys369Phe; replaces cysteine 369 with phenylalanine.
Molecular consequence: missense variant.
Genome position (GRCh38, 1-based): chr14:99,909,346, G>T. VCF-style: chr14-99909346-G-T. GRCh37 (hg19) VCF-style: chr14-100375683-G-T.
Other names: c.1163G>T (NM_001008707.1); c.1163G>T, p.Cys388Phe (NM_001008707.2); c.1067G>T, p.Cys356Phe (NM_001375411.1); c.1106G>T, p.Cys369Phe (NM_001375412.1); short protein forms C388F, C369F, C356F.
Identifiers: ClinVar variation 1417354 (VCV001417354.8), dbSNP rs372044881, ClinGen allele CA7342545.